The following is an entry in ClinVar:

NM_013436.5(NCKAP1):c.2330A>G (p.Asp777Gly)

Gene: NCKAP1 (NCK associated protein 1; minus strand). Cytogenetic location: 2q32.1.
Variant type: single nucleotide variant.
Coding change: c.2330A>G on transcript NM_013436.5 (MANE Select); coding-DNA position 2330, A replaced by G.
Protein change: p.Asp777Gly; replaces aspartic acid 777 with glycine.
Molecular consequence: missense variant.
Genome position (GRCh38, 1-based): chr2:182,953,155, T>C on the plus strand (A>G on the coding strand, the complement: NCKAP1 is on the minus strand). VCF-style: chr2-182953155-T-C. GRCh37 (hg19) VCF-style: chr2-183817883-T-C.
Other names: c.2348A>G, p.Asp783Gly (NM_205842.3); short protein forms D777G, D783G.
Identifiers: ClinVar variation 2578130 (VCV002578130.1), dbSNP rs2468587558, ClinGen allele CA349757551.

ClinVar aggregate classification (germline): Uncertain significance (1 of 4 stars; one submission).

Allele frequency attached by ClinVar (database versions not stated): gnomAD exomes below 0.00001.
gnomAD v4.1: 1 of 1,613,590 alleles (0.000062%); highest among the groups gnomAD compares: Non-Finnish European, 0.000085%; no homozygotes.

Submission:

GeneDx
Classification: Uncertain significance. Last evaluated: 2023-02-23. Review status: criteria provided, single submitter. Criteria: GeneDx Variant Classification Process June 2021. Collection method: clinical testing. Allele origin: germline. Affected: yes.
Comment: Not observed at significant frequency in large population cohorts (gnomAD); In silico analysis supports that this missense variant has a deleterious effect on protein structure/function; Has not been previously published as pathogenic or benign to our knowledge